The following is an entry in ClinVar:

ClinVar aggregate classification (germline): Pathogenic/Likely pathogenic. Review status: criteria provided, multiple submitters, no conflicts (2 of 4 stars). 7 submissions from 7 submitters: Pathogenic (5); Likely pathogenic (1). 1 of the submissions does not count toward it. Last evaluated 2024-11-14.

Conditions:
Hereditary cancer-predisposing syndrome. Also called: Hereditary Cancer Syndrome; Hereditary neoplastic syndrome; Neoplastic Syndromes, Hereditary; Tumor predisposition. Identifiers: Orphanet 140162, MedGen C0027672, MeSH D009386, MONDO:0015356.
Hereditary breast ovarian cancer syndrome. Also called: BRCA1- and BRCA2-Associated Hereditary Breast and Ovarian Cancer; Hereditary breast and ovarian cancer syndrome; Hereditary breast and ovarian cancer syndrome (HBOC); Breast and ovarian cancer; Hereditary breast and/or ovarian cancer syndrome; Hereditary breast and ovarian cancer. Identifiers: Orphanet 145, MedGen C0677776, MeSH D061325, MONDO:0003582. Disease mechanism: loss of function.
Breast-ovarian cancer, familial, susceptibility to, 1 (BROVCA1). Also called: BRCA1 Hereditary Breast and Ovarian Cancer; OVARIAN CANCER, SUSCEPTIBILITY TO. Identifiers: Orphanet 145, MedGen C2676676, MONDO:0011450, OMIM 604370. Disease mechanism: loss of function.

Submissions (8):

Women's Health and Genetics/Laboratory Corporation of America, LabCorp
Classification: Pathogenic for Hereditary breast ovarian cancer syndrome. Last evaluated: 2024-11-14. Review status: criteria provided, single submitter. Criteria: LabCorp Variant Classification Summary - May 2015. Collection method: clinical testing. Allele origin: germline.
Comment: Variant summary: BRCA1 c.81-2A>G is located in a canonical splice-site and is predicted to affect mRNA splicing resulting in a significantly altered protein due to either exon skipping, shortening, or inclusion of intronic material. Variants that disrupt the consensus splice site are a relatively common cause of aberrant splicing and loss of BRCA1 function. Several computational tools predict a significant impact on normal splicing: Four predict the variant abolishes the canonical 3' acceptor site and one predicts the variant also creates a 5' donor site. The variant was absent in 250180 control chromosomes. c.81-2A>G has been reported in the literature in individuals affected with breast and/or ovarian cancer (e.g. Caux-Moncoutier_2011, Li_2018, Deng_2019). These data indicate that the variant is likely to be associated with disease. At least one functional study reports experimental evidence evaluating an impact on protein function and showed a damaging effect of this variant on homology directed repair (HDR) activity (e.g. Findlay_2018). The following publications have been ascertained in the context of this evaluation (PMID: 21120943, 30720863, 30209399, 30078507). ClinVar contains an entry for this variant (Variation ID: 55716). Based on the evidence outlined above, the variant was classified as pathogenic.

Labcorp Genetics (formerly Invitae), Labcorp
Classification: Pathogenic for Hereditary breast ovarian cancer syndrome. Last evaluated: 2024-08-01. Review status: criteria provided, single submitter. Criteria: Invitae Variant Classification Sherloc (09022015). Collection method: clinical testing. Allele origin: germline.
Comment: This sequence change affects an acceptor splice site in intron 2 of the BRCA1 gene. RNA analysis indicates that disruption of this splice site induces altered splicing and may result in an absent or altered protein product. This variant is not present in population databases (gnomAD no frequency). Disruption of this splice site has been observed in individual(s) with breast and/or ovarian cancer, or with a family history of breast cancer (PMID: 21120943). ClinVar contains an entry for this variant (Variation ID: 55716). Algorithms developed to predict the effect of variants on gene product structure and function are not available or were not evaluated for this variant. Experimental studies have shown that disruption of this splice site affects BRCA1 function (PMID: 30209399). Studies have shown that disruption of this splice site alters mRNA splicing and is expected to lead to the loss of protein expression (PMID: 22505045; Invitae). For these reasons, this variant has been classified as Pathogenic.

Ambry Genetics
Classification: Pathogenic for Hereditary cancer-predisposing syndrome. Last evaluated: 2024-07-23. Review status: criteria provided, single submitter. Criteria: Ambry Variant Classification Scheme 2023. Collection method: clinical testing. Allele origin: germline.
Comment: The c.81-2A>G intronic pathogenic mutation results from an A to G substitution two nucleotides upstream from coding exon 2 in the BRCA1 gene. This alteration has been identified in multiple individuals with a personal and/or family history of breast and/or ovarian cancer (Caux-Moncoutier V et al. Hum. Mutat. 2011 Mar;32:325-34; Deng M et al. Int J Cancer, 2019 Sep;145:1517-1528; Shao D et al. Cancer Sci, 2020 Feb;111:647-657). One functional study found that this nucleotide substitution is non-functional in a high throughput genome editing haploid cell survival assay (Findlay GM et al. Nature, 2018 Oct;562:217-222). This nucleotide position is highly conserved in available vertebrate species. In silico splice site analysis predicts that this alteration will weaken the native splice acceptor site and may result in the creation or strengthening of a novel splice acceptor site. This variant is considered to be rare based on population cohorts in the Genome Aggregation Database (gnomAD). Based on the supporting evidence, this variant is interpreted as a disease-causing mutation.

Baylor Genetics
Classification: Pathogenic for Breast-ovarian cancer, familial, susceptibility to, 1. Last evaluated: 2023-07-13. Review status: criteria provided, single submitter. Criteria: ACMG Guidelines, 2015. Collection method: clinical testing. Allele origin: unknown.

Color Diagnostics, LLC DBA Color Health
Classification: Pathogenic for Hereditary cancer-predisposing syndrome. Last evaluated: 2022-02-03. Review status: criteria provided, single submitter. Criteria: ACMG Guidelines, 2015. Collection method: clinical testing. Allele origin: germline.
Comment: This variant causes a A to G nucleotide substitution at the -2 position of intron 2 splice acceptor site of the BRCA1 gene. This variant is also known as IVS2-2A>G in the literature. Splice site prediction tools suggest that this variant may have a significant impact on RNA splicing. There are no RNA studies on this particular variant, however, a similar variant c.81-1G>C has been shown in RNA studies to impact the splicing of exon 3 that partially encodes the RING domain, which is important for BRCA1 function and is noted to have clinically relevant mutations (PMID: 22505045, 22737296, 23239986). This variant also has been reported to cause loss of BRCA1 function in a haploid cell proliferation assay (PMID: 30209399). This variant has been reported in three individuals and one family affected with breast and ovarian cancer (PMID: 21120943, 30078507, 33461583, 33850850). Three other similar variants at the -1 and -2 positions of this intron have been reported in at least 5 individuals affected with breast and ovarian cancer (PMID: 22711857, 30078507, 30287823, 32438681). This variant has not been identified in the general population by the Genome Aggregation Database (gnomAD). Loss of BRCA1 function is a known mechanism of disease. Based on the available evidence, this variant is classified as Pathogenic.

GeneDx
Classification: Likely pathogenic. Last evaluated: 2016-08-30. Review status: criteria provided, single submitter. Criteria: GeneDx Variant Classification (06012015). Collection method: clinical testing. Allele origin: germline. Affected: yes.
Comment: This variant is denoted BRCA1 c.81-2A>G or IVS2-2A>G and consists of an A>G nucleotide substitution at the -2 position of intron 2 of the BRCA1 gene. Using alternate nomenclature, this variant would be defined as BRCA1 200-2A>G. This variant destroys a canonical splice acceptor site and is predicted to cause abnormal gene splicing, leading to either an abnormal message that is subject to nonsense-mediated mRNA decay or to an abnormal protein product. This variant has been reported in at least one individual with a personal and/or family history of breast and/or ovarian cancer (Caux-Moncoutier 2011). Based on the currently available information, we consider BRCA1 c.81-2A>G to be a likely pathogenic variant.

Sharing Clinical Reports Project (SCRP)
Classification: Pathogenic for Breast-ovarian cancer, familial 1. Last evaluated: 2013-03-08. Review status: no assertion criteria provided. Collection method: clinical testing. Allele origin: germline. Not counted in ClinVar's aggregate classification.

Brotman Baty Institute, University of Washington
No classification provided (evidence only). Condition: Breast-ovarian cancer, familial 1. Review status: no classification provided. Collection method: in vitro. Allele origin: not applicable. Functional consequence: functionally_abnormal. Not counted in ClinVar's aggregate classification.
ClinVar note: "not provided" was previously submitted as the classification for the variant. However, the classification appeared to be based only on an observation of functional data so it was converted to no classification on 2025-07-30.

Literature cited by the submitters: PubMed 21120943 (cited by 4 submitters); PubMed 30078507 (cited by Women's Health and Genetics/Laboratory Corporation of America, LabCorp and Color Diagnostics, LLC DBA Color Health); PubMed 30209399 (cited by 4 submitters); PubMed 30720863 (cited by Women's Health and Genetics/Laboratory Corporation of America, LabCorp and Ambry Genetics); PubMed 22505045 (cited by Labcorp Genetics (formerly Invitae), Labcorp and Color Diagnostics, LLC DBA Color Health); PubMed 31742824 (cited by Ambry Genetics); PubMed 22711857 (cited by Color Diagnostics, LLC DBA Color Health); PubMed 22737296 (cited by Color Diagnostics, LLC DBA Color Health); PubMed 23239986 (cited by Color Diagnostics, LLC DBA Color Health); PubMed 30287823 (cited by Color Diagnostics, LLC DBA Color Health); PubMed 32438681 (cited by Color Diagnostics, LLC DBA Color Health); PubMed 33461583 (cited by Color Diagnostics, LLC DBA Color Health); PubMed 33850850 (cited by Color Diagnostics, LLC DBA Color Health).

NM_007294.4(BRCA1):c.81-2A>G

Gene: BRCA1 (BRCA1 DNA repair associated; minus strand). Cytogenetic location: 17q21.31.
Variant type: single nucleotide variant.
Coding change: c.81-2A>G on transcript NM_007294.4 (MANE Select); the canonical splice acceptor site of the intron before coding-DNA position 81, A replaced by G.
Molecular consequence: splice acceptor variant. On other transcripts: intron variant (41).
Genome position (GRCh38, 1-based): chr17:43,115,781, T>C on the plus strand (A>G on the coding strand, the complement: BRCA1 is on the minus strand). VCF-style: chr17-43115781-T-C. GRCh37 (hg19) VCF-style: chr17-41267798-T-C.
Other names: IVS2-2A>G; c.81-2A>G (NM_001407652.1, NM_001407854.1, NM_001407598.1 and 191 more transcripts); c.-224-2A>G (NM_001408492.1, NM_001407889.1, NM_001407900.1); c.-177-2A>G (NM_001408468.1, NM_001407842.1, NM_001407749.1 and 13 more transcripts); c.-181-2A>G (NM_001407695.1, NM_001408465.1); c.-61-2A>G (NM_001407846.1, NM_001408503.1, NM_001407943.1 and 47 more transcripts); c.-8+5777A>G (NM_001407726.1, NM_001407751.1); c.-108-2A>G (NM_001408513.1, NM_001407885.1, NM_001408483.1 and 52 more transcripts); and 11 more.
Identifiers: ClinVar variation 55716 (VCV000055716.25), dbSNP rs397509326, ClinGen allele CA003912.